The following is an entry in ClinVar:

NC_000014.8:g.(?_92505871)_(92506029_?)dup

Gene: TRIP11 (thyroid hormone receptor interactor 11; minus strand). Cytogenetic location: 14q32.12.
Variant type: Duplication.
Identifiers: ClinVar variation 1411103 (VCV001411103.4).

ClinVar aggregate classification (germline): Uncertain significance (1 of 4 stars; one submission).

Conditions:
Achondrogenesis, type IA (ACG1A). Identifiers: Orphanet 932, Orphanet 93299, MedGen C0265273, MONDO:0008701, OMIM 200600.

Submission:

Labcorp Genetics (formerly Invitae), Labcorp
Classification: Uncertain significance for Achondrogenesis, type IA. Last evaluated: 2022-04-23. Review status: criteria provided, single submitter. Criteria: Invitae Variant Classification Sherloc (09022015). Collection method: clinical testing. Allele origin: germline.
Comment: This variant results in a copy number gain of the genomic region encompassing exon(s) 1 of the TRIP11 gene. This region includes the initiator codon of the gene. This copy number gain extends beyond the assayed region for this gene and therefore may encompass additional genes. As the precise location of this event is unknown, it may be in tandem or it may be located elsewhere in the genome. This variant has not been reported in the literature in individuals affected with TRIP11-related conditions. In summary, the available evidence is currently insufficient to determine the role of this variant in disease. Therefore, it has been classified as a Variant of Uncertain Significance.